The following is an entry in ClinVar:

ClinVar aggregate classification (germline): Benign. Review status: criteria provided, multiple submitters, no conflicts (2 of 4 stars). 3 submissions from 3 submitters: Benign (3). Last evaluated 2022-08-24.

Allele frequency attached by ClinVar (database versions not stated): gnomAD 0.00471 and 0.00504; TOPMed 0.00547; 1000 Genomes Project 30x 0.00578; gnomAD exomes 0.00125 and 0.00045; ExAC 0.00148; 1000 Genomes Project 0.00559; ESP Exome Variant Server 0.00538.

Submissions (3):

Mayo Clinic Laboratories, Mayo Clinic
Classification: Benign. Last evaluated: 2022-08-24. Review status: criteria provided, single submitter. Criteria: ACMG Guidelines, 2015. Collection method: clinical testing. Allele origin: germline. Observed: 5 variant alleles.
Comment: BS1, BS2, BP4

Labcorp Genetics (formerly Invitae), Labcorp
Classification: Benign. Last evaluated: 2019-12-31. Review status: criteria provided, single submitter. Criteria: Invitae Variant Classification Sherloc (09022015). Collection method: clinical testing. Allele origin: germline.

Breakthrough Genomics
Classification: Benign. Review status: criteria provided, single submitter. Criteria: ACMG Guidelines, 2015. Collection method: not provided. Allele origin: germline. Inheritance: Autosomal dominant inheritance. Affected: yes.

NM_001966.4(EHHADH):c.2050A>G (p.Arg684Gly)

Gene: EHHADH (enoyl-CoA hydratase and 3-hydroxyacyl CoA dehydrogenase; minus strand). Cytogenetic location: 3q27.2.
Variant type: single nucleotide variant.
Coding change: c.2050A>G on transcript NM_001966.4 (MANE Select); coding-DNA position 2050, A replaced by G.
Protein change: p.Arg684Gly; replaces arginine 684 with glycine.
Molecular consequence: missense variant.
Genome position (GRCh38, 1-based): chr3:185,192,348, T>C on the plus strand (A>G on the coding strand, the complement: EHHADH is on the minus strand). VCF-style: chr3-185192348-T-C. GRCh37 (hg19) VCF-style: chr3-184910136-T-C.
Other names: p.Arg684Gly; c.1762A>G, p.Arg588Gly (NM_001166415.2); short protein forms R684G, R588G.
Identifiers: ClinVar variation 712443 (VCV000712443.6), dbSNP rs114173562, ClinGen allele CA2738869.
Genomic context (GRCh38, chr3:185,192,348, plus strand): 5'-GAGAAGCCAGTTTTTTTAGATAGTCACTTGGCTCCAGTTGGGGAATATCAGGGTTCTGCC[T>C]GTAATATTTCTGCAATTTCTCTAGAACTGTGGGCAACCCAACTGTGGAAGCATAGAACAT-3'
Protein context (NP_001957.2, residues 674-694): TVLEKLQKYY[Arg684Gly]QNPDIPQLEP